The following is an entry in ClinVar:

ClinVar aggregate classification (germline): Uncertain significance (1 of 4 stars; one submission).

Conditions:
Hereditary cancer-predisposing syndrome. Also called: Neoplastic Syndromes, Hereditary; Tumor predisposition; Hereditary Cancer Syndrome; Hereditary neoplastic syndrome. Identifiers: Orphanet 140162, MedGen C0027672, MeSH D009386, MONDO:0015356.

Submissions (2):

Color Diagnostics, LLC DBA Color Health
Classification: Uncertain significance for Hereditary cancer-predisposing syndrome. Last evaluated: 2024-05-13. Review status: criteria provided, single submitter. Criteria: ACMG Guidelines, 2015. Collection method: clinical testing. Allele origin: germline.
Comment: This variant causes a T to A nucleotide substitution at the -7 position of intron 22 of the BRCA1 gene. A splice site prediction tool indicate that this variant would weaken the intron 22 splice acceptor site but not to a significant level. A functional study reported that this variant impacts BRCA1 function in a haploid cell proliferation assay (PMID: 30209399). To our knowledge, this variant has not been reported in individuals affected with BRCA1-related disorders in the literature. This variant has not been identified in the general population by the Genome Aggregation Database (gnomAD). The available evidence is insufficient to determine the role of this variant in disease conclusively. Therefore, this variant is classified as a Variant of Uncertain Significance.

Brotman Baty Institute, University of Washington
No classification provided (evidence only). Condition: Breast-ovarian cancer, familial 1. Review status: no classification provided. Collection method: in vitro. Allele origin: not applicable. Functional consequence: functionally_abnormal. Not counted in ClinVar's aggregate classification.
ClinVar note: "not provided" was previously submitted as the classification for the variant. However, the classification appeared to be based only on an observation of functional data so it was converted to no classification on 2025-07-30.

Literature cited by the submitters: PubMed 30209399 (cited by Color Diagnostics, LLC DBA Color Health).

NM_007294.4(BRCA1):c.5468-7T>A

Gene: BRCA1 (BRCA1 DNA repair associated; minus strand). Cytogenetic location: 17q21.31.
Variant type: single nucleotide variant.
Coding change: c.5468-7T>A on transcript NM_007294.4 (MANE Select); 7 bases into the intron before coding-DNA position 5468, T replaced by A.
Molecular consequence: intron variant.
Genome position (GRCh38, 1-based): chr17:43,045,809, A>T on the plus strand (T>A on the coding strand, the complement: BRCA1 is on the minus strand). VCF-style: chr17-43045809-A-T. GRCh37 (hg19) VCF-style: chr17-41197826-A-T.
Other names: c.2015-7T>A (NM_001408458.1, NM_001408461.1, NM_001408464.1 and 7 more transcripts); c.4577-7T>A (NM_001407967.1); c.5087-7T>A (NM_001407959.1); c.5201-7T>A (NM_001407931.1, NM_001407932.1, NM_001407928.1 and 4 more transcripts); c.5324-7T>A (NM_001407747.1, NM_001407745.1, NM_001407737.1 and 18 more transcripts); c.5084-7T>A (NM_001407962.1, NM_001407960.1); c.1655-7T>A (NM_001408512.1); c.1778-7T>A (NM_001408510.1); and 83 more.
Identifiers: ClinVar variation 867565 (VCV000867565.4), dbSNP rs2050891331, ClinGen allele CA916080712.
Genomic context (GRCh38, chr17:43,045,809, plus strand): 5'-TGTCCAACACCCACTCTCGGGTCACCACAGGTGCCTCACACATCTGCCCAATTGCTGGAG[A>T]CAGAGAACACAAGCAGAGATTAGTGTCAATTCATTCTCCTGGACTAGGCTCTAATCAATC-3'